The following is an entry in ClinVar:

ClinVar aggregate classification (germline): Uncertain significance. Review status: criteria provided, multiple submitters, no conflicts (2 of 4 stars). 3 submissions from 3 submitters: Uncertain significance (3). Last evaluated 2026-04-27.

Conditions:
Familial thoracic aortic aneurysm and aortic dissection (TAAD). Also called: Thoracic aortic aneurysms and dissections. Identifiers: Orphanet 91387, MedGen C4707243, MONDO:0019625.
Congenital contractural arachnodactyly (CCA). Also called: BEALS SYNDROME; Beals-Hecht syndrome; Arthrogryposis, distal, type 9. Identifiers: Orphanet 115, MedGen C0220668, MONDO:0007363, OMIM 121050.

Allele frequency attached by ClinVar (database versions not stated): TOPMed below 0.00001; gnomAD exomes below 0.00001.
gnomAD v4.1: 1 of 1,610,512 alleles (0.000062%); highest among the groups gnomAD compares: Non-Finnish European, 0.000085%; no homozygotes.

Submissions (3):

Ambry Genetics
Classification: Uncertain significance for Familial thoracic aortic aneurysm and aortic dissection. Last evaluated: 2026-04-27. Review status: criteria provided, single submitter. Criteria: Ambry Variant Classification Scheme 2023. Collection method: clinical testing. Allele origin: germline.

GeneDx
Classification: Uncertain significance. Last evaluated: 2026-01-23. Review status: criteria provided, single submitter. Criteria: GeneDx Variant Classification Process June 2021. Collection method: clinical testing. Allele origin: germline. Affected: yes.
Comment: Has not been previously published as pathogenic or benign to our knowledge; Not observed at significant frequency in large population cohorts (gnomAD); Although located in a calcium-binding EGF-like domain of the FBN2 gene, it does not substitute or introduce a cysteine residue (PMID: 19006240, 18767143); In silico analysis supports that this missense variant has a deleterious effect on protein structure/function; This variant is associated with the following publications: (PMID: 19006240, 18767143)

Labcorp Genetics (formerly Invitae), Labcorp
Classification: Uncertain significance for Congenital contractural arachnodactyly. Last evaluated: 2025-05-30. Review status: criteria provided, single submitter. Criteria: Invitae Variant Classification Sherloc (09022015). Collection method: clinical testing. Allele origin: germline.
Comment: This sequence change replaces aspartic acid, which is acidic and polar, with glycine, which is neutral and non-polar, at codon 1692 of the FBN2 protein (p.Asp1692Gly). This variant is not present in population databases (gnomAD no frequency). This variant has not been reported in the literature in individuals affected with FBN2-related conditions. ClinVar contains an entry for this variant (Variation ID: 2579500). An algorithm developed to predict the effect of missense changes on protein structure and function (PolyPhen-2) suggests that this variant is likely to be disruptive. In summary, the available evidence is currently insufficient to determine the role of this variant in disease. Therefore, it has been classified as a Variant of Uncertain Significance.

NM_001999.4(FBN2):c.5075A>G (p.Asp1692Gly)

Gene: FBN2 (fibrillin 2; minus strand). Cytogenetic location: 5q23.3.
Variant type: single nucleotide variant.
Coding change: c.5075A>G on transcript NM_001999.4 (MANE Select); coding-DNA position 5075, A replaced by G.
Protein change: p.Asp1692Gly; replaces aspartic acid 1692 with glycine.
Molecular consequence: missense variant.
Genome position (GRCh38, 1-based): chr5:128,310,108, T>C on the plus strand (A>G on the coding strand, the complement: FBN2 is on the minus strand). VCF-style: chr5-128310108-T-C. GRCh37 (hg19) VCF-style: chr5-127645800-T-C.
Other names: short protein forms D1692G.
Identifiers: ClinVar variation 2579500 (VCV002579500.6), dbSNP rs1432817350, ClinGen allele CA360744731.